The following is an entry in ClinVar:

NM_002637.4(PHKA1):c.1378A>G (p.Ile460Val)

Gene: PHKA1 (phosphorylase kinase regulatory subunit alpha 1; minus strand). Cytogenetic location: Xq13.1.
Variant type: single nucleotide variant.
Coding change: c.1378A>G on transcript NM_002637.4 (MANE Select); coding-DNA position 1378, A replaced by G.
Protein change: p.Ile460Val; replaces isoleucine 460 with valine.
Molecular consequence: missense variant.
Genome position (GRCh38, 1-based): chrX:72,644,443, T>C on the plus strand (A>G on the coding strand, the complement: PHKA1 is on the minus strand). VCF-style: chrX-72644443-T-C. GRCh37 (hg19) VCF-style: chrX-71864293-T-C.
Other names: c.1378A>G, p.Ile460Val (NM_001122670.2, NM_001172436.2); c.1378A>G (NM_002637.3); short protein forms I460V.
Identifiers: ClinVar variation 2892268 (VCV002892268.4), dbSNP rs1263635193, ClinGen allele CA413592678.

ClinVar aggregate classification (germline): Uncertain significance. Review status: criteria provided, multiple submitters, no conflicts (2 of 4 stars). 2 submissions from 2 submitters: Uncertain significance (2). Last evaluated 2025-07-31.

Conditions:
Inborn genetic diseases. Identifiers: MedGen C0950123, MeSH D030342.
Glycogen storage disease IXd (GSD9D). Also called: Muscle Phosphorylase Kinase Deficiency; GSD IXd. Identifiers: Orphanet 715, MedGen C1845151, MONDO:0010362, OMIM 300559.

Allele frequency attached by ClinVar (database versions not stated): gnomAD exomes below 0.00001; TOPMed below 0.00001.
gnomAD v4.1: 2 of 1,208,360 alleles (0.00017%); highest among the groups gnomAD compares: Non-Finnish European, 0.00022%; no homozygotes.

Submissions (2):

Ambry Genetics
Classification: Uncertain significance for Inborn genetic diseases. Last evaluated: 2025-07-31. Review status: criteria provided, single submitter. Criteria: Ambry Variant Classification Scheme 2023. Collection method: clinical testing. Allele origin: germline.

Labcorp Genetics (formerly Invitae), Labcorp
Classification: Uncertain significance for Glycogen storage disease IXd. Last evaluated: 2025-04-13. Review status: criteria provided, single submitter. Criteria: Invitae Variant Classification Sherloc (09022015). Collection method: clinical testing. Allele origin: germline.
Comment: This sequence change replaces isoleucine, which is neutral and non-polar, with valine, which is neutral and non-polar, at codon 460 of the PHKA1 protein (p.Ile460Val). This variant is not present in population databases (gnomAD no frequency). This variant has not been reported in the literature in individuals affected with PHKA1-related conditions. ClinVar contains an entry for this variant (Variation ID: 2892268). An algorithm developed to predict the effect of missense changes on protein structure and function outputs the following: PolyPhen-2: "Benign". The valine amino acid residue is found in multiple mammalian species, which suggests that this missense change does not adversely affect protein function. In summary, the available evidence is currently insufficient to determine the role of this variant in disease. Therefore, it has been classified as a Variant of Uncertain Significance.